The following is an entry in ClinVar:

NM_000348.4(SRD5A2):c.382T>A (p.Tyr128Asn)

Gene: SRD5A2 (steroid 5 alpha-reductase 2; minus strand). Cytogenetic location: 2p23.1.
Variant type: single nucleotide variant.
Coding change: c.382T>A on transcript NM_000348.4 (MANE Select); coding-DNA position 382, T replaced by A.
Protein change: p.Tyr128Asn; replaces tyrosine 128 with asparagine.
Molecular consequence: missense variant.
Genome position (GRCh38, 1-based): chr2:31,533,666, A>T on the plus strand (T>A on the coding strand, the complement: SRD5A2 is on the minus strand). VCF-style: chr2-31533666-A-T. GRCh37 (hg19) VCF-style: chr2-31758736-A-T.
Other names: short protein forms Y128N.
Identifiers: ClinVar variation 1956394 (VCV001956394.2), dbSNP rs2465632811, ClinGen allele CA346598541.
Genomic context (GRCh38, chr2:31,533,666, plus strand): 5'-AGCTAAACCGTATGTCTGTGTACCACCCATCAGGGTATTCAGCACAGTAAATCAGATAGT[A>T]GCCTTGAAGGACTCCATTTCCAGTGCAGAAGGCAGTGCCTCTGAGAATGAGTATAGCTGG-3'
Protein context (NP_000339.2, residues 118-138): FCTGNGVLQG[Tyr128Asn]YLIYCAEYPD

ClinVar aggregate classification (germline): Uncertain significance (1 of 4 stars; one submission).

Conditions:
3-Oxo-5 alpha-steroid delta 4-dehydrogenase deficiency (PPSH). Also called: MALE PSEUDOHERMAPHRODITISM DUE TO 5-ALPHA-REDUCTASE DEFICIENCY; 46,XY disorder of sex development due to 5-alpha-reductase 2 deficiency; PSEUDOVAGINAL PERINEOSCROTAL HYPOSPADIAS; FAMILIAL INCOMPLETE MALE PSEUDOHERMAPHRODITISM, TYPE 2. Identifiers: Orphanet 753, MedGen C0268297, MONDO:0009923, OMIM 264600. Disease mechanism: loss of function.

Submission:

Labcorp Genetics (formerly Invitae), Labcorp
Classification: Uncertain significance for 3-Oxo-5 alpha-steroid delta 4-dehydrogenase deficiency. Last evaluated: 2021-12-15. Review status: criteria provided, single submitter. Criteria: Invitae Variant Classification Sherloc (09022015). Collection method: clinical testing. Allele origin: germline.
Comment: This sequence change replaces tyrosine, which is neutral and polar, with asparagine, which is neutral and polar, at codon 128 of the SRD5A2 protein (p.Tyr128Asn). This variant is not present in population databases (gnomAD no frequency). This missense change has been observed in individual(s) with clinical features of steroid-5 alpha-reductase deficiency (Invitae). In summary, the available evidence is currently insufficient to determine the role of this variant in disease. Therefore, it has been classified as a Variant of Uncertain Significance.